The following is an entry in ClinVar:

ClinVar aggregate classification (germline): Uncertain significance (1 of 4 stars; one submission).

gnomAD v4.1: 10 of 1,614,132 alleles (0.00062%); highest among the groups gnomAD compares: East Asian, 0.013%; no homozygotes.

Submission:

Labcorp Genetics (formerly Invitae), Labcorp
Classification: Uncertain significance. Last evaluated: 2024-02-24. Review status: criteria provided, single submitter. Criteria: Invitae Variant Classification Sherloc (09022015). Collection method: clinical testing. Allele origin: germline.
Comment: This sequence change replaces arginine, which is basic and polar, with leucine, which is neutral and non-polar, at codon 5176 of the HMCN1 protein (p.Arg5176Leu). This variant is present in population databases (no rsID available, gnomAD 0.006%). This missense change has been observed in individual(s) with HMCN1-related conditions (PMID: 29667327). ClinVar contains an entry for this variant (Variation ID: 1465870). An algorithm developed to predict the effect of missense changes on protein structure and function (PolyPhen-2) suggests that this variant is likely to be tolerated. In summary, the available evidence is currently insufficient to determine the role of this variant in disease. Therefore, it has been classified as a Variant of Uncertain Significance.

Literature cited by the submitters: PubMed 29667327.

NM_031935.3(HMCN1):c.15527G>T (p.Arg5176Leu)

Gene: HMCN1 (hemicentin 1; plus strand). Cytogenetic location: 1q31.1.
Variant type: single nucleotide variant.
Coding change: c.15527G>T on transcript NM_031935.3 (MANE Select); coding-DNA position 15527, G replaced by T.
Protein change: p.Arg5176Leu; replaces arginine 5176 with leucine.
Molecular consequence: missense variant.
Genome position (GRCh38, 1-based): chr1:186,166,895, G>T. VCF-style: chr1-186166895-G-T. GRCh37 (hg19) VCF-style: chr1-186136027-G-T.
Other names: short protein forms R5176L.
Identifiers: ClinVar variation 1465870 (VCV001465870.6), dbSNP rs150494959, ClinGen allele CA33497260.
Genomic context (GRCh38, chr1:186,166,895, plus strand): 5'-ATACCTGCCACGCTGGTCAGGACTGTGACAATACGATTGGATCTTATCGCTGTGTGGTCC[G>T]TTGTGGAAGTGGCTTTCGAAGAACCTCTGATGGGCTGAGTTGTCAAGGTATAAAAATGGA-3'
Protein context (NP_114141.2, residues 5166-5186): NTIGSYRCVV[Arg5176Leu]CGSGFRRTSD